The following is an entry in ClinVar:

NM_004100.5(EYA4):c.1847T>A (p.Met616Lys)

Genes: TARID (TCF21 antisense RNA inducing promoter demethylation; minus strand), EYA4 (EYA transcriptional coactivator and phosphatase 4; plus strand). Cytogenetic location: 6q23.2.
Variant type: single nucleotide variant.
Coding change: c.1847T>A on transcript NM_004100.5 (MANE Select); coding-DNA position 1847, T replaced by A.
Protein change: p.Met616Lys; replaces methionine 616 with lysine.
Molecular consequence: missense variant.
Genome position (GRCh38, 1-based): chr6:133,528,732, T>A. VCF-style: chr6-133528732-T-A. GRCh37 (hg19) VCF-style: chr6-133849870-T-A.
Other names: c.1685T>A, p.Met562Lys (NM_001301012.2); c.1865T>A, p.Met622Lys (NM_001301013.2); c.1778T>A, p.Met593Lys (NM_001370458.1, NM_172103.4); c.1703T>A, p.Met568Lys (NM_001370459.1); c.1847T>A, p.Met616Lys (NM_172105.4); short protein forms M562K, M568K, M593K, M616K, M622K.
Identifiers: ClinVar variation 1320433 (VCV001320433.4), dbSNP rs748031092, ClinGen allele CA4008511.

ClinVar aggregate classification (germline): Uncertain significance. Review status: criteria provided, multiple submitters, no conflicts (2 of 4 stars). 2 submissions from 2 submitters: Uncertain significance (2). Last evaluated 2024-08-19.

Conditions:
Dilated cardiomyopathy 1J (CMD1J). Also called: CARDIOMYOPATHY, DILATED, WITH SENSORINEURAL HEARING LOSS, AUTOSOMAL DOMINANT. Identifiers: Orphanet 217622, MedGen C1854368, MONDO:0011541, OMIM 605362.

Allele frequency attached by ClinVar (database versions not stated): ExAC 0.00001; gnomAD exomes 0.00001.
gnomAD v4.1: 8 of 1,612,368 alleles (0.0005%); highest among the groups gnomAD compares: Non-Finnish European, 0.00068%; no homozygotes.

Submissions (2):

Labcorp Genetics (formerly Invitae), Labcorp
Classification: Uncertain significance for Dilated cardiomyopathy 1J. Last evaluated: 2024-08-19. Review status: criteria provided, single submitter. Criteria: Invitae Variant Classification Sherloc (09022015). Collection method: clinical testing. Allele origin: germline.
Comment: This sequence change replaces methionine, which is neutral and non-polar, with lysine, which is basic and polar, at codon 616 of the EYA4 protein (p.Met616Lys). This variant is present in population databases (rs748031092, gnomAD 0.002%). This variant has not been reported in the literature in individuals affected with EYA4-related conditions. ClinVar contains an entry for this variant (Variation ID: 1320433). Invitae Evidence Modeling of protein sequence and biophysical properties (such as structural, functional, and spatial information, amino acid conservation, physicochemical variation, residue mobility, and thermodynamic stability) indicates that this missense variant is not expected to disrupt EYA4 protein function with a negative predictive value of 80%. In summary, the available evidence is currently insufficient to determine the role of this variant in disease. Therefore, it has been classified as a Variant of Uncertain Significance.

GeneDx
Classification: Uncertain significance. Last evaluated: 2020-07-09. Review status: criteria provided, single submitter. Criteria: GeneDx Variant Classification Process June 2021. Collection method: clinical testing. Allele origin: germline. Affected: yes.
Comment: Not observed at a significant frequency in large population cohorts (Lek et al., 2016); In silico analysis supports that this missense variant has a deleterious effect on protein structure/function; Has not been previously published as pathogenic or benign to our knowledge